The following is an entry in ClinVar:

ClinVar aggregate classification (germline): Uncertain significance (1 of 4 stars; one submission).

Allele frequency attached by ClinVar (database versions not stated): gnomAD 0.00001; gnomAD exomes 0.00001; TOPMed 0.00002.
gnomAD v4.1: 7 of 1,613,440 alleles (0.00043%); highest among the groups gnomAD compares: Admixed American, 0.01%; no homozygotes.

Submission:

Labcorp Genetics (formerly Invitae), Labcorp
Classification: Uncertain significance. Last evaluated: 2024-02-22. Review status: criteria provided, single submitter. Criteria: Invitae Variant Classification Sherloc (09022015). Collection method: clinical testing. Allele origin: germline.
Comment: This sequence change falls in intron 14 of the CTNNB1 gene. It does not directly change the encoded amino acid sequence of the CTNNB1 protein. It affects a nucleotide within the consensus splice site. This variant is present in population databases (no rsID available, gnomAD 0.003%). This variant has not been reported in the literature in individuals affected with CTNNB1-related conditions. ClinVar contains an entry for this variant (Variation ID: 1417711). Variants that disrupt the consensus splice site are a relatively common cause of aberrant splicing (PMID: 17576681, 9536098). Algorithms developed to predict the effect of sequence changes on RNA splicing suggest that this variant may disrupt the consensus splice site. In summary, the available evidence is currently insufficient to determine the role of this variant in disease. Therefore, it has been classified as a Variant of Uncertain Significance.

Literature cited by the submitters: PubMed 17576681; PubMed 9536098.

NM_001904.4(CTNNB1):c.2138-3T>G

Gene: CTNNB1 (catenin beta 1; plus strand). Cytogenetic location: 3p22.1.
Variant type: single nucleotide variant.
Coding change: c.2138-3T>G on transcript NM_001904.4 (MANE Select); 3 bases into the intron before coding-DNA position 2138, T replaced by G.
Molecular consequence: intron variant.
Genome position (GRCh38, 1-based): chr3:41,239,131, T>G. VCF-style: chr3-41239131-T-G. GRCh37 (hg19) VCF-style: chr3-41280622-T-G.
Other names: c.2117-3T>G (NM_001330729.2); c.2138-3T>G (NM_001098209.2, NM_001098210.2).
Identifiers: ClinVar variation 1417711 (VCV001417711.6), dbSNP rs1435897965, ClinGen allele CA542617464.